The following is an entry in ClinVar:

NM_001323289.2(CDKL5):c.1942_1944+2delinsA

Gene: CDKL5 (cyclin dependent kinase like 5; plus strand). Cytogenetic location: Xp22.13.
Variant type: Indel.
Coding change: c.1942_1944+2delinsA on transcript NM_001323289.2 (MANE Select); coding-DNA position 1942 through the canonical splice donor site of the intron after coding-DNA position 1944, CAGGT replaced by A.
Molecular consequence: splice donor variant.
Genome position (GRCh38, 1-based): chrX:18,604,866-18,604,870, CAGGT replaced by A. VCF-style: chrX-18604866-CAGGT-A. GRCh37 (hg19) VCF-style: chrX-18622986-CAGGT-A.
Other names: c.1942_1944+2delCAGGTinsA (NM_003159.2); c.1942_1944+2delinsA (NM_003159.3, NM_001037343.2).
Identifiers: ClinVar variation 503508 (VCV000503508.1), dbSNP rs1555952163, ClinGen allele CA658799610.

ClinVar aggregate classification (germline): Pathogenic (1 of 4 stars; one submission).

Submission:

GeneDx
Classification: Pathogenic. Last evaluated: 2015-05-20. Review status: criteria provided, single submitter. Criteria: GeneDx Variant Classification (06012015). Collection method: clinical testing. Allele origin: germline. Affected: yes.
Comment: The c.1942_1944+2delCAGGTinsA variant results in the deletion of 5 nucleotides and the insertion of 1nucleotide spanning the junction of exon 12 and intron 12 and is expected to destroy the natural splicedonor site in intron 12, leading to abnormal gene splicing. It was not observed in approximately 6,500individuals of European and African American ancestry in the NHLBI Exome Sequencing Project,indicating it is not a common benign variant in these populations. Other splice variants have been reportedin the Human Gene Mutation Database in association with CDKL5-related disorders (Stenson et al.,2014). Although c.1942_1944+2delCAGGTinsA has not been previously reported to our knowledge, we consider it to be pathogenic.